The following is an entry in ClinVar:

NM_000053.4(ATP7B):c.2622_2643del (p.Gly875fs)

Gene: ATP7B (ATPase copper transporting beta; minus strand). Cytogenetic location: 13q14.3.
Variant type: Deletion.
Coding change: c.2622_2643del on transcript NM_000053.4 (MANE Select); coding-DNA positions 2622 to 2643, 22 bases deleted (GGGGTCTATAAATGCACATGGC).
Protein change: p.Gly875fs; shifts the reading frame from glycine 875.
Molecular consequence: frameshift variant.
Genome position (GRCh38, 1-based): chr13:51,950,094-51,950,115, GCCATGTGCATTTATAGACCCC deleted on the plus strand (GGGGTCTATAAATGCACATGGC on the coding strand, the reverse complement: ATP7B is on the minus strand); deleting any 22 consecutive bases within chr13:51,950,094-51,950,117 gives the same sequence; the c. name uses the placement nearest the transcript's 3' end. VCF-style (leftmost placement, unchanged base first): chr13-51950093-AGCCATGTGCATTTATAGACCCC-A. GRCh37 (hg19) VCF-style: chr13-52524229-AGCCATGTGCATTTATAGACCCC-A.
Other names: c.2136_2157del, p.Gly713fs (NM_001005918.3); c.2289_2310del, p.Gly764fs (NM_001243182.2); c.2388_2409del, p.Gly797fs (NM_001330578.2); c.2370_2391del, p.Gly791fs (NM_001330579.2); short protein forms G713fs, G791fs, G797fs, G875fs, G764fs.
Identifiers: ClinVar variation 1410261 (VCV001410261.6), dbSNP rs2139208029, ClinGen allele CA2573149692.
Genomic context (GRCh38, chr13:51,950,093, plus strand): 5'-GTTTCACAATCTGAGCCAAAGTGGTGTCATTGCCCACGTGGGTAGCTTTAATGAGCACAG[AGCCATGTGCATTTATAGACCCC>A]GCAATTACAGTGCTTCCGGGTTTCTTAGTGACTGGCATGGCTTCTCCTAGACGTAGGAAA-3'

ClinVar aggregate classification (germline): Pathogenic (1 of 4 stars; one submission).

Conditions:
Wilson disease (WND). Also called: Wilson's disease. Identifiers: Orphanet 905, MedGen C0019202, MONDO:0010200, OMIM 277900. Disease mechanism: loss of function.

Submission:

Labcorp Genetics (formerly Invitae), Labcorp
Classification: Pathogenic for Wilson disease. Last evaluated: 2022-01-05. Review status: criteria provided, single submitter. Criteria: Invitae Variant Classification Sherloc (09022015). Collection method: clinical testing. Allele origin: germline.
Comment: This variant is not present in population databases (gnomAD no frequency). This sequence change creates a premature translational stop signal (p.Gly875Leufs*19) in the ATP7B gene. It is expected to result in an absent or disrupted protein product. Loss-of-function variants in ATP7B are known to be pathogenic (PMID: 10441329, 16283883). This variant has not been reported in the literature in individuals affected with ATP7B-related conditions. For these reasons, this variant has been classified as Pathogenic.

Literature cited by the submitters: PubMed 10441329; PubMed 16283883.